The following is an entry in ClinVar:

NM_000878.5(IL2RB):c.765T>A (p.Phe255Leu)

Gene: IL2RB (interleukin 2 receptor subunit beta; minus strand). Cytogenetic location: 22q12.3.
Variant type: single nucleotide variant.
Coding change: c.765T>A on transcript NM_000878.5 (MANE Select); coding-DNA position 765, T replaced by A.
Protein change: p.Phe255Leu; replaces phenylalanine 255 with leucine.
Molecular consequence: missense variant.
Genome position (GRCh38, 1-based): chr22:37,135,381, A>T on the plus strand (T>A on the coding strand, the complement: IL2RB is on the minus strand). VCF-style: chr22-37135381-A-T. GRCh37 (hg19) VCF-style: chr22-37531421-A-T.
Other names: c.765T>A, p.Phe255Leu (NM_001346222.1, NM_001346223.2); short protein forms F255L.
Identifiers: ClinVar variation 2055888 (VCV002055888.2), dbSNP rs1449893175, ClinGen allele CA411427028.

ClinVar aggregate classification (germline): Uncertain significance (1 of 4 stars; one submission).

Allele frequency attached by ClinVar (database versions not stated): gnomAD exomes 0.00001.
gnomAD v4.1: 5 of 1,613,884 alleles (0.00031%); highest among the groups gnomAD compares: South Asian, 0.0011%; no homozygotes.

Submission:

Labcorp Genetics (formerly Invitae), Labcorp
Classification: Uncertain significance. Last evaluated: 2022-07-14. Review status: criteria provided, single submitter. Criteria: Invitae Variant Classification Sherloc (09022015). Collection method: clinical testing. Allele origin: germline.
Comment: In summary, the available evidence is currently insufficient to determine the role of this variant in disease. Therefore, it has been classified as a Variant of Uncertain Significance. Algorithms developed to predict the effect of missense changes on protein structure and function output the following: SIFT: "Tolerated"; PolyPhen-2: "Benign"; Align-GVGD: "Class C0". The leucine amino acid residue is found in multiple mammalian species, which suggests that this missense change does not adversely affect protein function. This variant has not been reported in the literature in individuals affected with IL2RB-related conditions. This variant is not present in population databases (gnomAD no frequency). This sequence change replaces phenylalanine, which is neutral and non-polar, with leucine, which is neutral and non-polar, at codon 255 of the IL2RB protein (p.Phe255Leu).